The following is an entry in ClinVar:

ClinVar aggregate classification (germline): Uncertain significance (1 of 4 stars; one submission).

Conditions:
Frasier syndrome. Identifiers: Orphanet 347, MedGen C0950122, MeSH D052159, MONDO:0007635, OMIM 136680.
Wilms tumor 1 (WT1). Also called: Wilms tumor, somatic. Identifiers: Orphanet 654, MedGen CN033288, MONDO:0008679, OMIM 194070.
11p partial monosomy syndrome (WAGR). Also called: WAGR Spectrum Disorder; CHROMOSOME 11p13 DELETION SYNDROME; WAGR Complex; WAGR syndrome. Identifiers: Orphanet 893, MedGen C0206115, MONDO:0008681, OMIM 194072.
Drash syndrome (DDS). Also called: NEPHROPATHY, WILMS TUMOR, AND GENITAL ANOMALIES; WILMS TUMOR AND PSEUDO- OR TRUE HERMAPHRODITISM. Identifiers: Orphanet 220, MedGen C0950121, MONDO:0008682, OMIM 194080.

Submission:

Labcorp Genetics (formerly Invitae), Labcorp
Classification: Uncertain significance for Wilms tumor 1; Drash syndrome; 11p partial monosomy syndrome; Frasier syndrome. Last evaluated: 2021-05-11. Review status: criteria provided, single submitter. Criteria: Invitae Variant Classification Sherloc (09022015). Collection method: clinical testing. Allele origin: germline.
Comment: In summary, the available evidence is currently insufficient to determine the role of this variant in disease. Therefore, it has been classified as a Variant of Uncertain Significance. This sequence change replaces threonine with alanine at codon 17 of the WT1 protein (p.Thr17Ala). The threonine residue is weakly conserved and there is a small physicochemical difference between threonine and alanine. The frequency data for this variant in the population databases is considered unreliable, as metrics indicate insufficient coverage at this position in the ExAC database. This variant has not been reported in the literature in individuals with WT1-related conditions. Algorithms developed to predict the effect of missense changes on protein structure and function output the following: SIFT: "Deleterious"; PolyPhen-2: "Benign"; Align-GVGD: "Class C0". The alanine amino acid residue is found in multiple mammalian species, suggesting that this missense change does not adversely affect protein function. These predictions have not been confirmed by published functional studies and their clinical significance is uncertain.

NM_024426.6(WT1):c.64A>G (p.Thr22Ala)

Genes: WT1 (WT1 transcription factor; minus strand), LOC107982234 (WT1/WT1-AS bi-directional promoter region; plus strand). Cytogenetic location: 11p13.
Variant type: single nucleotide variant.
Coding change: c.64A>G on transcript NM_024426.6 (MANE Select); coding-DNA position 64, A replaced by G.
Protein change: p.Thr22Ala; replaces threonine 22 with alanine.
Molecular consequence: missense variant. On other transcripts: non-coding transcript variant (1).
Genome position (GRCh38, 1-based): chr11:32,435,297, T>C on the plus strand (A>G on the coding strand, the complement: WT1 is on the minus strand). VCF-style: chr11-32435297-T-C. GRCh37 (hg19) VCF-style: chr11-32456843-T-C.
Other names: c.64A>G, p.Thr22Ala (NM_000378.6, NM_024424.5); short protein forms T22A.
Identifiers: ClinVar variation 1353800 (VCV001353800.8), dbSNP rs2133107584, ClinGen allele CA379966460.